The following is an entry in ClinVar:

NM_000256.3(MYBPC3):c.2414-36G>T

Gene: MYBPC3 (myosin binding protein C3; minus strand). Cytogenetic location: 11p11.2.
Variant type: single nucleotide variant.
Coding change: c.2414-36G>T on transcript NM_000256.3 (MANE Select); 36 bases into the intron before coding-DNA position 2414, G replaced by T.
Molecular consequence: intron variant.
Genome position (GRCh38, 1-based): chr11:47,337,615, C>A on the plus strand (G>T on the coding strand, the complement: MYBPC3 is on the minus strand). VCF-style: chr11-47337615-C-A. GRCh37 (hg19) VCF-style: chr11-47359166-C-A.
Identifiers: ClinVar variation 3600614 (VCV003600614.2).
Genomic context (GRCh38, chr11:47,337,615, plus strand): 5'-TTCTTCTTGCGCTCCAGGATGTAGCCTGGCTCAGGGGAGGTGGCAGCTCTGGTCTGGAAC[C>A]CAGGCATCCCCACACCACCTTCCCTCGGATCTGTTTGGCGCCCTCACACCTCCATCCGGT-3'

ClinVar aggregate classification (germline): Uncertain significance (1 of 4 stars; one submission).

gnomAD v4.1: 4 of 1,613,026 alleles (0.00025%); highest among the groups gnomAD compares: Non-Finnish European, 0.00034%; no homozygotes.

Submission:

GeneDx
Classification: Uncertain significance. Last evaluated: 2025-10-01. Review status: criteria provided, single submitter. Criteria: GeneDx Variant Classification Process June 2021. Collection method: clinical testing. Allele origin: germline. Affected: yes.
Comment: Not observed at significant frequency in large population cohorts (gnomAD); In silico analysis supports a deleterious effect on splicing; This variant is associated with the following publications: (PMID: 25849606)